The following is an entry in ClinVar:

NM_016373.4(WWOX):c.550C>G (p.Leu184Val)

Gene: WWOX (WW domain containing oxidoreductase; plus strand). Cytogenetic location: 16q23.1.
Variant type: single nucleotide variant.
Coding change: c.550C>G on transcript NM_016373.4 (MANE Select); coding-DNA position 550, C replaced by G.
Protein change: p.Leu184Val; replaces leucine 184 with valine.
Molecular consequence: missense variant.
Genome position (GRCh38, 1-based): chr16:78,386,893, C>G. VCF-style: chr16-78386893-C-G. GRCh37 (hg19) VCF-style: chr16-78420790-C-G.
Other names: c.211C>G, p.Leu71Val (NM_001291997.2); short protein forms L184V, L71V.
Identifiers: ClinVar variation 5017226 (VCV005017226.1).
Genomic context (GRCh38, chr16:78,386,893, plus strand): 5'-ATTTCTTTTTATTTTCTCTCATTGCAGCATAAAGCCAAGGTAGAAGCAATGACCCTGGAC[C>G]TCGCTCTGCTCCGTAGCGTGCAGCATTTTGCTGAAGCATTCAAGGCCAAGAATGTGTGAG-3'
Protein context (NP_057457.1, residues 174-194): KAKVEAMTLD[Leu184Val]ALLRSVQHFA

ClinVar aggregate classification (germline): Uncertain significance (1 of 4 stars; one submission).

gnomAD v4.1: 3 of 1,614,094 alleles (0.00019%); highest among the groups gnomAD compares: African/African-American, 0.0027%; no homozygotes.

Submission:

GeneDx
Classification: Uncertain significance. Last evaluated: 2026-03-26. Review status: criteria provided, single submitter. Criteria: GeneDx Variant Classification Process June 2021. Collection method: clinical testing. Allele origin: germline.
Comment: Not observed at significant frequency in large population cohorts (gnomAD); In silico analysis supports that this missense variant has a deleterious effect on protein structure/function; Has not been previously published as pathogenic or benign to our knowledge; This variant is associated with the following publications: (PMID: 25411445)